The following is an entry in ClinVar:

ClinVar aggregate classification (germline): Uncertain significance (3 of 4 stars; one submission).

Conditions:
Hereditary factor VIII deficiency disease (HEMA). Also called: HEMOPHILIA, CLASSIC; AUTOSOMAL HEMOPHILIA A; Hemophilia A; Hemophilia A, congenital; HEM A; Factor 8 deficiency, congenital. Identifiers: Orphanet 98878, MedGen C0019069, MONDO:0010602, OMIM 306700.

Submission:

ClinGen Coagulation Factor Deficiency Variant Curation Expert Panel, Clingen
Classification: Uncertain significance for Hereditary factor VIII deficiency disease. Last evaluated: 2024-09-30. Review status: reviewed by expert panel. Criteria: ClinGen CoagFactor ACMG Specifications F8 V1.0.0. Collection method: curation. Allele origin: germline. Inheritance: X-linked inheritance.
Comment: The c.4148C>G (p.Ala1383Gly) variant is completely absent in gnomAD v2.1.1, v3, and v4 (PM2_Supporting). It has a REVEL score of 0.299 (<0.3) and meets criteria for BP4. This variant is not reported in patients with hemophilia A in the literature, to the best of our knowledge. In summary, based on the evidence available at this time, the clinical significance of this variant is uncertain. ACMG/AMP criteria applied, as specified by the Coagulation Factor Deficiency Variant Curation Expert Panel for F8: PM2_Supporting, BP4.

NM_000132.4(F8):c.4148C>G (p.Ala1383Gly)

Gene: F8 (coagulation factor VIII; minus strand). Cytogenetic location: Xq28.
Variant type: single nucleotide variant.
Coding change: c.4148C>G on transcript NM_000132.4 (MANE Select); coding-DNA position 4148, C replaced by G.
Protein change: p.Ala1383Gly; replaces alanine 1383 with glycine.
Molecular consequence: missense variant.
Genome position (GRCh38, 1-based): chrX:154,929,642, G>C on the plus strand (C>G on the coding strand, the complement: F8 is on the minus strand). VCF-style: chrX-154929642-G-C. GRCh37 (hg19) VCF-style: chrX-154157917-G-C.
Other names: NM_000132.4:c.4148C>G; short protein forms A1383G.
Identifiers: ClinVar variation 3358855 (VCV003358855.1).